The following is an entry in ClinVar:

ClinVar aggregate classification (germline): Uncertain significance (1 of 4 stars; one submission).

Submission:

Labcorp Genetics (formerly Invitae), Labcorp
Classification: Uncertain significance. Last evaluated: 2023-07-10. Review status: criteria provided, single submitter. Criteria: Invitae Variant Classification Sherloc (09022015). Collection method: clinical testing. Allele origin: germline.
Comment: In summary, the available evidence is currently insufficient to determine the role of this variant in disease. Therefore, it has been classified as a Variant of Uncertain Significance. Variants that disrupt the consensus splice site are a relatively common cause of aberrant splicing (PMID: 17576681, 9536098). Algorithms developed to predict the effect of sequence changes on RNA splicing suggest that this variant is not likely to affect RNA splicing. This variant has not been reported in the literature in individuals affected with AK7-related conditions. This variant is not present in population databases (gnomAD no frequency). This sequence change affects codon 203 of the AK7 mRNA. It is a 'silent' change, meaning that it does not change the encoded amino acid sequence of the AK7 protein. This variant also falls at the last nucleotide of exon 5, which is part of the consensus splice site for this exon.

Literature cited by the submitters: PubMed 17576681; PubMed 9536098.

NM_152327.5(AK7):c.609G>A (p.Lys203=)

Gene: AK7 (adenylate kinase 7; plus strand). Cytogenetic location: 14q32.2.
Variant type: single nucleotide variant.
Coding change: c.609G>A on transcript NM_152327.5 (MANE Select); coding-DNA position 609, G replaced by A.
Protein change: p.Lys203=; no amino-acid change (lysine 203 retained).
Molecular consequence: synonymous variant.
Genome position (GRCh38, 1-based): chr14:96,420,932, G>A. VCF-style: chr14-96420932-G-A. GRCh37 (hg19) VCF-style: chr14-96887269-G-A.
Other names: c.609G>A, p.Lys203= (NM_001350888.2, NM_001350890.2, NM_001350891.2 and 1 more transcripts).
Identifiers: ClinVar variation 2740761 (VCV002740761.3), dbSNP rs549184231, ClinGen allele CA487715939.